The following is an entry in ClinVar:

NM_000535.7(PMS2):c.1778A>G (p.Lys593Arg)

Gene: PMS2 (PMS1 homolog 2, mismatch repair system component; minus strand). Cytogenetic location: 7p22.1.
Variant type: single nucleotide variant.
Coding change: c.1778A>G on transcript NM_000535.7 (MANE Select); coding-DNA position 1778, A replaced by G.
Protein change: p.Lys593Arg; replaces lysine 593 with arginine.
Molecular consequence: missense variant. On other transcripts: non-coding transcript variant (1), intron variant (1).
Genome position (GRCh38, 1-based): chr7:5,986,987, T>C on the plus strand (A>G on the coding strand, the complement: PMS2 is on the minus strand). VCF-style: chr7-5986987-T-C. GRCh37 (hg19) VCF-style: chr7-6026618-T-C.
Other names: c.1373A>G, p.Lys458Arg (NM_001322003.2, NM_001322004.2, NM_001322005.2 and 16 more transcripts); c.1622A>G, p.Lys541Arg (NM_001322006.2, NM_001406870.1); c.1460A>G, p.Lys487Arg (NM_001322007.2, NM_001322008.2, NM_001406876.1 and 2 more transcripts); c.1217A>G, p.Lys406Arg (NM_001322010.2, NM_001406906.1, NM_001406907.1); c.845A>G, p.Lys282Arg (NM_001322011.2, NM_001322012.2); c.1205A>G, p.Lys402Arg (NM_001322013.2, NM_001406909.1); c.1778A>G, p.Lys593Arg (NM_001322014.2, NM_001406871.1, NM_001406872.1); c.1469A>G, p.Lys490Arg (NM_001322015.2, NM_001406875.1, NM_001406877.1 and 5 more transcripts); and 13 more; short protein forms K402R, K406R, K458R, K481R, K487R, K593R, K282R, K422R.
Identifiers: ClinVar variation 3890990 (VCV003890990.1).

ClinVar aggregate classification (germline): Uncertain significance (1 of 4 stars; one submission).

Conditions:
Hereditary cancer-predisposing syndrome. Also called: Tumor predisposition; Neoplastic Syndromes, Hereditary; Hereditary Cancer Syndrome; Hereditary neoplastic syndrome. Identifiers: Orphanet 140162, MedGen C0027672, MeSH D009386, MONDO:0015356.

Submission:

Ambry Genetics
Classification: Uncertain significance for Hereditary cancer-predisposing syndrome. Last evaluated: 2025-01-21. Review status: criteria provided, single submitter. Criteria: Ambry Variant Classification Scheme 2023. Collection method: clinical testing. Allele origin: germline.
Comment: The p.K593R variant (also known as c.1778A>G), located in coding exon 11 of the PMS2 gene, results from an A to G substitution at nucleotide position 1778. The lysine at codon 593 is replaced by arginine, an amino acid with highly similar properties. This amino acid position is not well conserved in available vertebrate species. In addition, this alteration is predicted to be tolerated by in silico analysis. Based on the available evidence, the clinical significance of this variant remains unclear.